The following is an entry in ClinVar:

NM_005027.4(PIK3R2):c.780GCCGTCCTCGCCGCCGCC[6] (p.Pro266_Gly267insProSerSerProProProProSerSerProProProProSerSerProProProProSerSerProProProProSerSerProProPro)

Genes: PIK3R2 (phosphoinositide-3-kinase regulatory subunit 2; plus strand), LOC130063979 (ATAC-STARR-seq lymphoblastoid silent region 10375; plus strand). Cytogenetic location: 19p13.11.
Variant type: Microsatellite.
Coding change: c.780GCCGTCCTCGCCGCCGCC[6] on transcript NM_005027.4 (MANE Select); six copies in a row of the 18-base unit GCCGTCCTCGCCGCCGCC starting at c.780.
Protein change: p.Pro266_Gly267insProSerSerProProProProSerSerProProProProSerSerProProProProSerSerProProProProSerSerProProPro.
Molecular consequence: inframe insertion. On other transcripts: non-coding transcript variant (1).
Genome position: GRCh38, VCF-style position (the base before the change): chr19:18,161,449. GRCh37 (hg19), VCF-style position (the base before the change): chr19:18,272,259.
Identifiers: ClinVar variation 2297206 (VCV002297206.2), dbSNP rs1555814260, ClinGen allele CA2580613092.

ClinVar aggregate classification (germline): Uncertain significance (1 of 4 stars; one submission).

Conditions:
Inborn genetic diseases. Identifiers: MedGen C0950123, MeSH D030342.

Submission:

Ambry Genetics
Classification: Uncertain significance for Inborn genetic diseases. Last evaluated: 2022-07-22. Review status: criteria provided, single submitter. Criteria: Ambry Variant Classification Scheme 2023. Collection method: clinical testing. Allele origin: germline.
Comment: The c.797_798insGCCGTCCTCGCCGCCGCCGCCGTCCTCGCCGCCGCCGCCGTCCTCGCCGCCGCCGCCGTCCTCGCCGCCGCCGCCGTCCTCGCCGCCGCC (p.P266_G267insPSSPPPPSSPPPPSSPPPPSSPPPPSSPPP) alteration is located in exon 6 (coding exon 5) of the PIK3R2 gene. The alteration consists of an in-frame insertion of 90 nucleotides between nucleotide positions c.797 and c.798, resulting in the insertion of <NA> residues. Based on insufficient or conflicting evidence, the clinical significance of this alteration remains unclear.